The following is an entry in ClinVar:

ClinVar aggregate classification (germline): Uncertain significance (1 of 4 stars; one submission).

Submission:

GeneDx
Classification: Uncertain significance. Last evaluated: 2026-03-12. Review status: criteria provided, single submitter. Criteria: GeneDx Variant Classification Process June 2021. Collection method: clinical testing. Allele origin: germline.
Comment: Not observed at significant frequency in large population cohorts (gnomAD); In silico analysis suggests that this missense variant does not alter protein structure/function; Has not been previously published as pathogenic or benign to our knowledge

NM_145166.4(ZBTB47):c.58G>C (p.Val20Leu)

Gene: ZBTB47 (zinc finger and BTB domain containing 47; plus strand). Cytogenetic location: 3p22.1.
Variant type: single nucleotide variant.
Coding change: c.58G>C on transcript NM_145166.4 (MANE Select); coding-DNA position 58, G replaced by C.
Protein change: p.Val20Leu; replaces valine 20 with leucine.
Molecular consequence: missense variant.
Genome position (GRCh38, 1-based): chr3:42,658,413, G>C. VCF-style: chr3-42658413-G-C. GRCh37 (hg19) VCF-style: chr3-42699905-G-C.
Other names: c.142G>C, p.Val48Leu (NM_001410746.1); short protein forms V48L, V20L.
Identifiers: ClinVar variation 5009085 (VCV005009085.1).